The following is an entry in ClinVar:

ClinVar aggregate classification (germline): Pathogenic. Review status: reviewed by expert panel (3 of 4 stars). 4 submissions from 4 submitters: Pathogenic (1). 3 of the submissions do not count toward it. Last evaluated 2016-10-18.

Conditions:
Hereditary cancer-predisposing syndrome. Also called: Hereditary Cancer Syndrome; Neoplastic Syndromes, Hereditary; Tumor predisposition; Hereditary neoplastic syndrome. Identifiers: Orphanet 140162, MedGen C0027672, MeSH D009386, MONDO:0015356.
Breast-ovarian cancer, familial, susceptibility to, 2 (BROVCA2). Also called: BRCA2 Hereditary Breast and Ovarian Cancer. Identifiers: Orphanet 145, MedGen C2675520, MONDO:0012933, OMIM 612555. Disease mechanism: loss of function.
Familial cancer of breast. Also called: Hereditary breast cancer; hereditary breast carcinoma; BREAST CANCER, FAMILIAL. Identifiers: Orphanet 227535, MedGen C0346153, MONDO:0016419, OMIM 114480. Disease mechanism: loss of function.

Submissions (4):

Evidence-based Network for the Interpretation of Germline Mutant Alleles (ENIGMA)
Classification: Pathogenic for Breast-ovarian cancer, familial, susceptibility to, 2. Last evaluated: 2016-10-18. Review status: reviewed by expert panel. Criteria: ENIGMA BRCA1/2 Classification Criteria (2015). Collection method: curation. Allele origin: germline.
Comment: Variant allele predicted to encode a truncated non-functional protein.

Ambry Genetics
Classification: Pathogenic for Hereditary cancer-predisposing syndrome. Last evaluated: 2024-03-11. Review status: criteria provided, single submitter. Criteria: Ambry Variant Classification Scheme 2023. Collection method: clinical testing. Allele origin: germline. Not counted in ClinVar's aggregate classification.
Comment: The p.L3119* pathogenic mutation (also known as c.9356T>A), located in coding exon 24 of the BRCA2 gene, results from a T to A substitution at nucleotide position 9356. This changes the amino acid from a leucine to a stop codon within coding exon 24. This variant is considered to be rare based on population cohorts in the Genome Aggregation Database (gnomAD). This alteration is expected to result in loss of function by premature protein truncation or nonsense-mediated mRNA decay. As such, this alteration is interpreted as a disease-causing mutation.

Baylor Genetics
Classification: Pathogenic for Familial cancer of breast. Last evaluated: 2024-02-22. Review status: criteria provided, single submitter. Criteria: ACMG Guidelines, 2015. Collection method: clinical testing. Allele origin: unknown. Not counted in ClinVar's aggregate classification.

Consortium of Investigators of Modifiers of BRCA1/2 (CIMBA), c/o University of Cambridge
Classification: Pathogenic for Breast-ovarian cancer, familial, susceptibility to, 2. Last evaluated: 2015-10-02. Review status: criteria provided, single submitter. Criteria: CIMBA Mutation Classification guidelines May 2016. Collection method: clinical testing. Allele origin: germline. Not counted in ClinVar's aggregate classification.

NM_000059.4(BRCA2):c.9356T>A (p.Leu3119Ter)

Gene: BRCA2 (BRCA2 DNA repair associated; plus strand). Cytogenetic location: 13q13.1.
Variant type: single nucleotide variant.
Coding change: c.9356T>A on transcript NM_000059.4 (MANE Select); coding-DNA position 9356, T replaced by A.
Protein change: p.Leu3119Ter; replaces leucine 3119 with a stop codon.
Molecular consequence: nonsense.
Genome position (GRCh38, 1-based): chr13:32,394,788, T>A. VCF-style: chr13-32394788-T-A. GRCh37 (hg19) VCF-style: chr13-32968925-T-A.
Other names: 9584T>A; short protein forms L3119*.
Identifiers: ClinVar variation 232966 (VCV000232966.10), dbSNP rs80359207, ClinGen allele CA10579829.